The following is an entry in ClinVar:

ClinVar aggregate classification (germline): Uncertain significance (1 of 4 stars; one submission).

Allele frequency attached by ClinVar (database versions not stated): gnomAD 0.00003.
gnomAD v4.1: 8 of 1,613,816 alleles (0.0005%); highest among the groups gnomAD compares: Admixed American, 0.0083%; no homozygotes.

Submission:

GeneDx
Classification: Uncertain significance. Last evaluated: 2022-02-24. Review status: criteria provided, single submitter. Criteria: GeneDx Variant Classification Process June 2021. Collection method: clinical testing. Allele origin: germline. Affected: yes.
Comment: Not observed at significant frequency in large population cohorts (gnomAD); In silico analysis supports that this missense variant does not alter protein structure/function; Has not been previously published as pathogenic or benign to our knowledge

NM_001083961.2(WDR62):c.2345A>C (p.Tyr782Ser)

Gene: WDR62 (WD repeat domain 62; plus strand). Cytogenetic location: 19q13.12.
Variant type: single nucleotide variant.
Coding change: c.2345A>C on transcript NM_001083961.2 (MANE Select); coding-DNA position 2345, A replaced by C.
Protein change: p.Tyr782Ser; replaces tyrosine 782 with serine.
Molecular consequence: missense variant.
Genome position (GRCh38, 1-based): chr19:36,094,042, A>C. VCF-style: chr19-36094042-A-C. GRCh37 (hg19) VCF-style: chr19-36584944-A-C.
Other names: c.2345A>C, p.Tyr782Ser (NM_173636.5); short protein forms Y782S.
Identifiers: ClinVar variation 1703403 (VCV001703403.2), dbSNP rs1234367345, ClinGen allele CA405445105.